The following is an entry in ClinVar:

NM_000718.4(CACNA1B):c.5860C>A (p.Pro1954Thr)

Gene: CACNA1B (calcium voltage-gated channel subunit alpha1 B; plus strand). Cytogenetic location: 9q34.3.
Variant type: single nucleotide variant.
Coding change: c.5860C>A on transcript NM_000718.4 (MANE Select); coding-DNA position 5860, C replaced by A.
Protein change: p.Pro1954Thr; replaces proline 1954 with threonine.
Molecular consequence: missense variant.
Genome position (GRCh38, 1-based): chr9:138,118,028, C>A. VCF-style: chr9-138118028-C-A. GRCh37 (hg19) VCF-style: chr9-141012480-C-A.
Other names: c.5860C>A, p.Pro1954Thr (NM_001243812.2); short protein forms P1954T.
Identifiers: ClinVar variation 2085840 (VCV002085840.2), dbSNP rs1961932398, ClinGen allele CA375819486.

ClinVar aggregate classification (germline): Uncertain significance (1 of 4 stars; one submission).

Allele frequency attached by ClinVar (database versions not stated): TOPMed below 0.00001.
gnomAD v4.1: 5 of 1,600,034 alleles (0.00031%); highest among the groups gnomAD compares: Non-Finnish European, 0.00043%; no homozygotes.

Submission:

Labcorp Genetics (formerly Invitae), Labcorp
Classification: Uncertain significance. Last evaluated: 2026-02-02. Review status: criteria provided, single submitter. Criteria: Invitae Variant Classification Sherloc (09022015). Collection method: clinical testing. Allele origin: germline.
Comment: This sequence change replaces proline, which is neutral and non-polar, with threonine, which is neutral and polar, at codon 1954 of the CACNA1B protein (p.Pro1954Thr). This variant is not present in population databases (gnomAD no frequency). This variant has not been reported in the literature in individuals affected with CACNA1B-related conditions. ClinVar contains an entry for this variant (Variation ID: 2085840). An algorithm developed to predict the effect of missense changes on protein structure and function (PolyPhen-2) suggests that this variant is likely to be tolerated. In summary, the available evidence is currently insufficient to determine the role of this variant in disease. Therefore, it has been classified as a Variant of Uncertain Significance.